The following is an entry in ClinVar:

ClinVar aggregate classification (germline): Uncertain significance. Review status: criteria provided, multiple submitters, no conflicts (2 of 4 stars). 3 submissions from 3 submitters: Uncertain significance (3). Last evaluated 2025-11-02.

Conditions:
COL9A2-related disorder. Also called: COL9A2-related condition.

Allele frequency attached by ClinVar (database versions not stated): gnomAD exomes below 0.00001 and 0.00001; gnomAD 0.00001; TOPMed 0.00001; ExAC 0.00003.
gnomAD v4.1: 7 of 1,613,998 alleles (0.00043%); highest among the groups gnomAD compares: African/African-American, 0.0013%; no homozygotes.

Submissions (3):

PreventionGenetics, part of Exact Sciences
Classification: Uncertain significance for COL9A2-related condition. Last evaluated: 2025-11-02. Review status: criteria provided, single submitter. Criteria: ACMG Guidelines, 2015. Collection method: clinical testing. Allele origin: germline.
Comment: The COL9A2 c.541G>A variant is predicted to result in the amino acid substitution p.Gly181Arg. To our knowledge, this variant has not been reported in the literature. This variant is reported in 0.0026% of alleles in individuals of European (Non-Finnish) descent in gnomAD. At this time, the clinical significance of this variant is uncertain due to the absence of conclusive functional and genetic evidence.

Labcorp Genetics (formerly Invitae), Labcorp
Classification: Uncertain significance. Last evaluated: 2024-11-19. Review status: criteria provided, single submitter. Criteria: Invitae Variant Classification Sherloc (09022015). Collection method: clinical testing. Allele origin: germline.
Comment: This sequence change replaces glycine, which is neutral and non-polar, with arginine, which is basic and polar, at codon 181 of the COL9A2 protein (p.Gly181Arg). This variant is present in population databases (rs761837402, gnomAD 0.003%). This variant has not been reported in the literature in individuals affected with COL9A2-related conditions. ClinVar contains an entry for this variant (Variation ID: 1196650). An algorithm developed to predict the effect of missense changes on protein structure and function (PolyPhen-2) suggests that this variant is likely to be disruptive. In summary, the available evidence is currently insufficient to determine the role of this variant in disease. Therefore, it has been classified as a Variant of Uncertain Significance.

GeneDx
Classification: Uncertain significance. Last evaluated: 2020-01-14. Review status: criteria provided, single submitter. Criteria: GeneDx Variant Classification Process June 2021. Collection method: clinical testing. Allele origin: germline. Affected: yes.
Comment: Has not been previously published as pathogenic or benign to our knowledge; Not observed at a significant frequency in large population cohorts (Lek et al., 2016); In silico analysis, which includes protein predictors and evolutionary conservation, supports a deleterious effect

NM_001852.4(COL9A2):c.541G>A (p.Gly181Arg)

Gene: COL9A2 (collagen type IX alpha 2 chain; minus strand). Cytogenetic location: 1p34.2.
Variant type: single nucleotide variant.
Coding change: c.541G>A on transcript NM_001852.4 (MANE Select); coding-DNA position 541, G replaced by A.
Protein change: p.Gly181Arg; replaces glycine 181 with arginine.
Molecular consequence: missense variant.
Genome position (GRCh38, 1-based): chr1:40,311,265, C>T on the plus strand (G>A on the coding strand, the complement: COL9A2 is on the minus strand). VCF-style: chr1-40311265-C-T. GRCh37 (hg19) VCF-style: chr1-40776937-C-T.
Other names: short protein forms G181R.
Identifiers: ClinVar variation 1196650 (VCV001196650.8), dbSNP rs761837402, ClinGen allele CA791863.